The following is an entry in ClinVar:

NM_001080414.4(CCDC88C):c.6036G>A (p.Pro2012=)

Gene: CCDC88C (coiled-coil and HOOK domain protein 88C; minus strand). Cytogenetic location: 14q32.11.
Variant type: single nucleotide variant.
Coding change: c.6036G>A on transcript NM_001080414.4 (MANE Select); coding-DNA position 6036, G replaced by A.
Protein change: p.Pro2012=; no amino-acid change (proline 2012 retained).
Molecular consequence: synonymous variant.
Genome position (GRCh38, 1-based): chr14:91,272,676, C>T on the plus strand (G>A on the coding strand, the complement: CCDC88C is on the minus strand). VCF-style: chr14-91272676-C-T. GRCh37 (hg19) VCF-style: chr14-91739020-C-T.
Other names: c.6036G>A (NM_001080414.3).
Identifiers: ClinVar variation 2906785 (VCV002906785.4), dbSNP rs747124464, ClinGen allele CA7308521.
Genomic context (GRCh38, chr14:91,272,676, plus strand): 5'-ACGAGACAGTCACACACAGCCGTACTCATACCACACGGTCTGCGGATCCCCGCCGGGCTC[C>T]GGGGAGGCCGGACTGCTCTTTGAGACGCTCCCTCGACTGCAGTCCTCCAGGGCCCGGCCG-3'
Protein context (NP_001073883.2, residues 2002-2022): GSVSKSSPAS[Pro2012=]EPGGDPQTVW

ClinVar aggregate classification (germline): Conflicting classifications of pathogenicity. Review status: criteria provided, conflicting classifications (1 of 4 stars). 2 submissions from 2 submitters: Uncertain significance (1); Likely benign (1). Last evaluated 2025-07-11.

Conditions:
CCDC88C-related disorder. Also called: CCDC88C-related condition; CCDC88C-Related Disorders.

Allele frequency attached by ClinVar (database versions not stated): ExAC 0.00004; TOPMed 0.00004; gnomAD 0.00005.
gnomAD v4.1: 31 of 1,611,672 alleles (0.0019%); highest among the groups gnomAD compares: African/African-American, 0.017%; no homozygotes.

Submissions (2):

PreventionGenetics, part of Exact Sciences
Classification: Uncertain significance for CCDC88C-related condition. Last evaluated: 2025-07-11. Review status: criteria provided, single submitter. Criteria: ACMG Guidelines, 2015. Collection method: clinical testing. Allele origin: germline.
Comment: The CCDC88C c.6036G>A variant is not predicted to result in an amino acid change (p.=). To our knowledge, this variant has not been reported in the literature. This variant is reported in 0.013% of alleles in individuals of African descent in gnomAD. Although we suspect that this variant may be benign, at this time, the clinical significance of this variant is uncertain due to the absence of conclusive functional and genetic evidence.

Labcorp Genetics (formerly Invitae), Labcorp
Classification: Likely benign. Last evaluated: 2024-05-21. Review status: criteria provided, single submitter. Criteria: Invitae Variant Classification Sherloc (09022015). Collection method: clinical testing. Allele origin: germline.